The following is an entry in ClinVar:

ClinVar aggregate classification (germline): Uncertain significance (1 of 4 stars; one submission).

gnomAD v4.1: 1 of 1,614,244 alleles (0.000062%); highest among the groups gnomAD compares: Admixed American, 0.0017%; no homozygotes.

Submission:

Labcorp Genetics (formerly Invitae), Labcorp
Classification: Uncertain significance. Last evaluated: 2025-04-07. Review status: criteria provided, single submitter. Criteria: Invitae Variant Classification Sherloc (09022015). Collection method: clinical testing. Allele origin: germline.
Comment: This sequence change replaces valine, which is neutral and non-polar, with leucine, which is neutral and non-polar, at codon 221 of the DIP2C protein (p.Val221Leu). This variant is present in population databases (no rsID available, gnomAD 0.003%). This variant has not been reported in the literature in individuals affected with DIP2C-related conditions. An algorithm developed to predict the effect of missense changes on protein structure and function (PolyPhen-2) suggests that this variant is likely to be tolerated. In summary, the available evidence is currently insufficient to determine the role of this variant in disease. Therefore, it has been classified as a Variant of Uncertain Significance.

NM_014974.3(DIP2C):c.661G>T (p.Val221Leu)

Gene: DIP2C (DIP2 acetate--CoA ligase C (putative); minus strand). Cytogenetic location: 10p15.3.
Variant type: single nucleotide variant.
Coding change: c.661G>T on transcript NM_014974.3 (MANE Select); coding-DNA position 661, G replaced by T.
Protein change: p.Val221Leu; replaces valine 221 with leucine.
Molecular consequence: missense variant.
Genome position (GRCh38, 1-based): chr10:419,143, C>A on the plus strand (G>T on the coding strand, the complement: DIP2C is on the minus strand). VCF-style: chr10-419143-C-A. GRCh37 (hg19) VCF-style: chr10-465083-C-A.
Other names: short protein forms V221L.
Identifiers: ClinVar variation 4695185 (VCV004695185.1).
Genomic context (GRCh38, chr10:419,143, plus strand): 5'-GCTCGGCGTTGCCGTACTTGGGCGCTGTCCGGGACCCCGTGGAACCCTGCGGTCTCTCCA[C>A]CTGTATCGAGTGCTCTGAGGTGTACGTGGTTACGTCAGGAGGTGCAGAATGATTTTCTGT-3'
Protein context (NP_055789.1, residues 211-231): TTYTSEHSIQ[Val221Leu]ERPQGSTGSR